The following is an entry in ClinVar:

ClinVar aggregate classification (germline): Uncertain significance. Review status: criteria provided, single submitter (1 of 4 stars). 2 submissions from 2 submitters: Uncertain significance (1). 1 of the submissions does not count toward it. Last evaluated 2025-06-12.

Conditions:
MHC class II deficiency. Also called: Bare lymphocyte syndrome 2; BLS, TYPE II. Identifiers: Orphanet 572, MedGen C5447452, MONDO:0008855.

Allele frequency attached by ClinVar (database versions not stated): gnomAD 0.00003 and 0.00004; TOPMed 0.00005.
gnomAD v4.1: 20 of 1,612,214 alleles (0.0012%); highest among the groups gnomAD compares: African/African-American, 0.012%; no homozygotes.

Submissions (2):

Labcorp Genetics (formerly Invitae), Labcorp
Classification: Uncertain significance for MHC class II deficiency. Last evaluated: 2025-06-12. Review status: criteria provided, single submitter. Criteria: Invitae Variant Classification Sherloc (09022015). Collection method: clinical testing. Allele origin: germline.
Comment: This sequence change replaces valine, which is neutral and non-polar, with isoleucine, which is neutral and non-polar, at codon 494 of the CIITA protein (p.Val494Ile). This variant is present in population databases (rs150888938, gnomAD 0.01%). This variant has not been reported in the literature in individuals affected with CIITA-related conditions. ClinVar contains an entry for this variant (Variation ID: 960899). An algorithm developed to predict the effect of missense changes on protein structure and function outputs the following: PolyPhen-2: "Benign". The isoleucine amino acid residue is found in multiple mammalian species, which suggests that this missense change does not adversely affect protein function. In summary, the available evidence is currently insufficient to determine the role of this variant in disease. Therefore, it has been classified as a Variant of Uncertain Significance.

Natera, Inc.
Classification: Uncertain significance for Bare lymphocyte syndrome type II. Last evaluated: 2020-11-30. Review status: no assertion criteria provided. Collection method: clinical testing. Allele origin: germline. Not counted in ClinVar's aggregate classification.

NM_000246.4(CIITA):c.1480G>A (p.Val494Ile)

Gene: CIITA (class II major histocompatibility complex transactivator; plus strand). Cytogenetic location: 16p13.13.
Variant type: single nucleotide variant.
Coding change: c.1480G>A on transcript NM_000246.4 (MANE Select); coding-DNA position 1480, G replaced by A.
Protein change: p.Val494Ile; replaces valine 494 with isoleucine.
Molecular consequence: missense variant. On other transcripts: intron variant (1).
Genome position (GRCh38, 1-based): chr16:10,906,972, G>A. VCF-style: chr16-10906972-G-A. GRCh37 (hg19) VCF-style: chr16-11000829-G-A.
Other names: c.1483G>A, p.Val495Ile (NM_001286402.1, NM_001379332.1); c.1336G>A, p.Val446Ile (NM_001379330.1); c.1333G>A, p.Val445Ile (NM_001379331.1); c.1480G>A, p.Val494Ile (NM_001379333.1); c.1411G>A, p.Val471Ile (NM_001379334.1); c.860-2011G>A (NM_001286403.2); short protein forms V471I, V494I, V495I, V445I, V446I.
Identifiers: ClinVar variation 960899 (VCV000960899.8), dbSNP rs150888938, ClinGen allele CA7900142.